The following is an entry in ClinVar:

ClinVar aggregate classification (germline): Uncertain significance (1 of 4 stars; one submission).

Conditions:
Fanconi anemia complementation group J. Also called: BRIP1-Related Fanconi Anemia. Identifiers: Orphanet 84, MedGen C1836860, MONDO:0012187, OMIM 609054.
Familial cancer of breast. Also called: BREAST CANCER, FAMILIAL; Hereditary breast cancer; hereditary breast carcinoma. Identifiers: Orphanet 227535, MedGen C0346153, MONDO:0016419, OMIM 114480. Disease mechanism: loss of function.

Submission:

Labcorp Genetics (formerly Invitae), Labcorp
Classification: Uncertain significance for Familial cancer of breast; Fanconi anemia complementation group J. Last evaluated: 2023-02-08. Review status: criteria provided, single submitter. Criteria: Invitae Variant Classification Sherloc (09022015). Collection method: clinical testing. Allele origin: germline.
Comment: In summary, the available evidence is currently insufficient to determine the role of this variant in disease. Therefore, it has been classified as a Variant of Uncertain Significance. Advanced modeling of protein sequence and biophysical properties (such as structural, functional, and spatial information, amino acid conservation, physicochemical variation, residue mobility, and thermodynamic stability) performed at Invitae indicates that this missense variant is not expected to disrupt BRIP1 protein function. This variant has not been reported in the literature in individuals affected with BRIP1-related conditions. This variant is not present in population databases (gnomAD no frequency). This sequence change replaces arginine, which is basic and polar, with serine, which is neutral and polar, at codon 814 of the BRIP1 protein (p.Arg814Ser).

NM_032043.3(BRIP1):c.2440C>A (p.Arg814Ser)

Gene: BRIP1 (BRCA1 interacting DNA helicase 1; minus strand). Cytogenetic location: 17q23.2.
Variant type: single nucleotide variant.
Coding change: c.2440C>A on transcript NM_032043.3 (MANE Select); coding-DNA position 2440, C replaced by A.
Protein change: p.Arg814Ser; replaces arginine 814 with serine.
Molecular consequence: missense variant.
Genome position (GRCh38, 1-based): chr17:61,716,003, G>T on the plus strand (C>A on the coding strand, the complement: BRIP1 is on the minus strand). VCF-style: chr17-61716003-G-T. GRCh37 (hg19) VCF-style: chr17-59793364-G-T.
Other names: short protein forms R814S.
Identifiers: ClinVar variation 2944020 (VCV002944020.3), dbSNP rs201869624, ClinGen allele CA400479611.